The following is an entry in ClinVar:

ClinVar aggregate classification (germline): Conflicting classifications of pathogenicity. Review status: criteria provided, conflicting classifications (1 of 4 stars). 7 submissions from 7 submitters: Uncertain significance (1); Benign (4). 2 of the submissions do not count toward it. Last evaluated 2026-01-08.

Conditions:
Fanconi renotubular syndrome 4 with maturity-onset diabetes of the young (FRTS4). Also called: FRTS4 WITH MODY. Identifiers: Orphanet 93111, MedGen C4014962, MONDO:0014458, OMIM 616026.
Maturity-onset diabetes of the young type 1. Also called: MODY type 1; Diabetes mellitus MODY type 1; MODY HNF4A related; MILD JUVENILE DIABETES MELLITUS; HNF4A-Related Maturity-Onset Diabetes of the Young Type 1; MODY, type I. Identifiers: Orphanet 552, MedGen C1852093, MONDO:0007452, OMIM 125850. Disease mechanism: loss of function.
Type 2 diabetes mellitus. Also called: Type II diabetes mellitus. Identifiers: MedGen C0011860, MeSH D003924, MONDO:0005148, OMIM 125853, HP:0005978.
Maturity-onset diabetes of the young (MODY). Also called: Maturity onset diabetes mellitus in young. Identifiers: Orphanet 552, MedGen C0342276, MONDO:0018911, HP:0004904.

Allele frequency attached by ClinVar (database versions not stated): gnomAD 0.00008 and 0.00058; TOPMed 0.00025; gnomAD exomes 0.00080 and 0.00190; ExAC 0.00227; 1000 Genomes Project 30x 0.00500; 1000 Genomes Project 0.00599.
gnomAD v4.1: 1,281 of 1,614,142 alleles (0.079%); highest among the groups gnomAD compares: South Asian, 1.2%; 20 homozygotes.

Submissions (7):

Labcorp Genetics (formerly Invitae), Labcorp
Classification: Benign. Last evaluated: 2026-01-08. Review status: criteria provided, single submitter. Criteria: Invitae Variant Classification Sherloc (09022015). Collection method: clinical testing. Allele origin: germline.

Fulgent Genetics
Classification: Benign for Maturity-onset diabetes of the young type 1; Type 2 diabetes mellitus; Fanconi renotubular syndrome 4 with maturity-onset diabetes of the young. Last evaluated: 2021-08-12. Review status: criteria provided, single submitter. Criteria: ACMG Guidelines, 2015. Collection method: clinical testing. Allele origin: unknown.

Athena Diagnostics
Classification: Benign. Last evaluated: 2016-11-15. Review status: criteria provided, single submitter. Criteria: Athena Diagnostics Criteria. Collection method: clinical testing. Allele origin: germline.

Ambry Genetics
Classification: Uncertain significance for Maturity-onset diabetes of the young. Last evaluated: 2016-02-09. Review status: criteria provided, single submitter. Criteria: Ambry Variant Classification Scheme 2023. Collection method: clinical testing. Allele origin: germline.
Comment: The c.427-20C>T intronic alteration consists of a C to T substitution 20 nucleotides before coding exon 5 in the HNF4A gene. Based on insufficient or conflicting evidence, the clinical significance of this alteration remains unclear.

Clinical Genomics, Uppaluri K&H Personalized Medicine Clinic
Classification: Benign for Maturity-onset diabetes of the young. Review status: criteria provided, single submitter. Criteria: K & H Uppaluri Personalized Medicine Clinic Variant Classification & Assertion Criteria_Updated V.1. Collection method: research. Allele origin: unknown. Inheritance: Autosomal dominant inheritance.
Comment: Potent mutations in HNF4A are associated with poor insulin secretion in response to hyperglycemia. Associated with MODY1. Patients initially respond well to sulfonylureas but eventually become insulin dependent. However, more evidence is required to ascertain the role of this particular variant rs184217112 in MODY, yet.

Genome Diagnostics Laboratory, University Medical Center Utrecht
Classification: Benign. Review status: no assertion criteria provided. Collection method: clinical testing. Allele origin: germline. Affected: yes. Study: VKGL Data-share Consensus. Not counted in ClinVar's aggregate classification.

Laboratory of Diagnostic Genome Analysis, Leiden University Medical Center (LUMC)
Classification: Likely benign. Review status: no assertion criteria provided. Collection method: clinical testing. Allele origin: germline. Affected: yes. Study: VKGL Data-share Consensus. Not counted in ClinVar's aggregate classification.

Literature cited by the submitters: PubMed 25041077 (cited by Athena Diagnostics); PubMed 15281001 (cited by Athena Diagnostics); PubMed 18268044 (cited by Clinical Genomics, Uppaluri K&H Personalized Medicine Clinic); PubMed 17563455 (cited by Clinical Genomics, Uppaluri K&H Personalized Medicine Clinic); PubMed 32583173 (cited by Clinical Genomics, Uppaluri K&H Personalized Medicine Clinic); PubMed 35052457 (cited by Clinical Genomics, Uppaluri K&H Personalized Medicine Clinic); PubMed 35118593 (cited by Clinical Genomics, Uppaluri K&H Personalized Medicine Clinic); DOI 10.1159/000334532 (cited by Clinical Genomics, Uppaluri K&H Personalized Medicine Clinic).

NM_175914.5(HNF4A):c.427-20C>T

Gene: HNF4A (hepatocyte nuclear factor 4 alpha; plus strand). Cytogenetic location: 20q13.12.
Variant type: single nucleotide variant.
Coding change: c.427-20C>T on transcript NM_175914.5 (MANE Select); 20 bases into the intron before coding-DNA position 427, C replaced by T.
Molecular consequence: intron variant.
Genome position (GRCh38, 1-based): chr20:44,414,487, C>T. VCF-style: chr20-44414487-C-T. GRCh37 (hg19) VCF-style: chr20-43043127-C-T.
Other names: c.427-20C>T (NM_175914.3, NM_001030003.3, NM_001030004.3); c.418-20C>T (NM_001287182.2, NM_001287183.2, NM_001287184.2); c.472-20C>T (NM_001258355.2); c.493-20C>T (NM_178849.3, NM_000457.6, NM_178850.3).
Identifiers: ClinVar variation 447516 (VCV000447516.13), dbSNP rs184217112, ClinGen allele CA9870265.
Genomic context (GRCh38, chr20:44,414,487, plus strand): 5'-GGAGGGGGCTCTGTGCAGGGGACAGAGAGTGCGGGAGGGCCCGGACATCTCCAGCATTTT[C>T]TTCCCTGTATCTCTCGAAGATCACCTCCCCCGTCTCCGGGATCAACGGCGACATTCGGGC-3'